The following is an entry in ClinVar:

NM_030632.3(ASXL3):c.5102G>C (p.Ser1701Thr)

Gene: ASXL3 (ASXL transcriptional regulator 3; plus strand). Cytogenetic location: 18q12.1.
Variant type: single nucleotide variant.
Coding change: c.5102G>C on transcript NM_030632.3 (MANE Select); coding-DNA position 5102, G replaced by C.
Protein change: p.Ser1701Thr; replaces serine 1701 with threonine.
Molecular consequence: missense variant.
Genome position (GRCh38, 1-based): chr18:33,744,950, G>C. VCF-style: chr18-33744950-G-C. GRCh37 (hg19) VCF-style: chr18-31324914-G-C.
Other names: short protein forms S1701T.
Identifiers: ClinVar variation 1314710 (VCV001314710.2), dbSNP rs958071901, ClinGen allele CA297794004.

ClinVar aggregate classification (germline): Uncertain significance (1 of 4 stars; one submission).

Allele frequency attached by ClinVar (database versions not stated): gnomAD exomes below 0.00001 and 0.00001; TOPMed below 0.00001.
gnomAD v4.1: 4 of 1,614,016 alleles (0.00025%); highest among the groups gnomAD compares: Admixed American, 0.0017%; no homozygotes.

Submission:

GeneDx
Classification: Uncertain significance. Last evaluated: 2021-04-23. Review status: criteria provided, single submitter. Criteria: GeneDx Variant Classification Process June 2021. Collection method: clinical testing. Allele origin: germline. Affected: yes.
Comment: In silico analysis supports that this missense variant does not alter protein structure/function; Has not been previously published as pathogenic or benign to our knowledge